The following is an entry in ClinVar:

NM_015192.4(PLCB1):c.316G>A (p.Val106Met)

Gene: PLCB1 (phospholipase C beta 1; plus strand). Cytogenetic location: 20p12.3.
Variant type: single nucleotide variant.
Coding change: c.316G>A on transcript NM_015192.4 (MANE Select); coding-DNA position 316, G replaced by A.
Protein change: p.Val106Met; replaces valine 106 with methionine.
Molecular consequence: missense variant.
Genome position (GRCh38, 1-based): chr20:8,628,363, G>A. VCF-style: chr20-8628363-G-A. GRCh37 (hg19) VCF-style: chr20-8609010-G-A.
Other names: c.316G>A, p.Val106Met (NM_182734.3); short protein forms V106M.
Identifiers: ClinVar variation 2132658 (VCV002132658.4), dbSNP rs1181797347, ClinGen allele CA408262040.
Genomic context (GRCh38, chr20:8,628,363, plus strand): 5'-TTACGTGAACTTTTGGATGTGGGGAACATCGGGCGCCTGGAGCAGCGCATGATCACAGTG[G>A]TGTATGGGCCTGACCTCGTGAACATCTCCCATTTGAATCTCGTGGCTTTCCAAGAAGAAG-3'
Protein context (NP_056007.1, residues 96-116): GRLEQRMITV[Val106Met]YGPDLVNISH

ClinVar aggregate classification (germline): Uncertain significance (1 of 4 stars; one submission).

Conditions:
Developmental and epileptic encephalopathy, 12 (DEE12). Identifiers: MedGen C3150988, MONDO:0013389, OMIM 613722.

Allele frequency attached by ClinVar (database versions not stated): gnomAD exomes below 0.00001; TOPMed below 0.00001.
gnomAD v4.1: 1 of 1,614,082 alleles (0.000062%); highest among the groups gnomAD compares: African/African-American, 0.0013%; no homozygotes.

Submission:

Labcorp Genetics (formerly Invitae), Labcorp
Classification: Uncertain significance for Developmental and epileptic encephalopathy, 12. Last evaluated: 2024-10-24. Review status: criteria provided, single submitter. Criteria: Invitae Variant Classification Sherloc (09022015). Collection method: clinical testing. Allele origin: germline.
Comment: This sequence change replaces valine, which is neutral and non-polar, with methionine, which is neutral and non-polar, at codon 106 of the PLCB1 protein (p.Val106Met). This variant is present in population databases (no rsID available, gnomAD 0.007%). This variant has not been reported in the literature in individuals affected with PLCB1-related conditions. ClinVar contains an entry for this variant (Variation ID: 2132658). Invitae Evidence Modeling of protein sequence and biophysical properties (such as structural, functional, and spatial information, amino acid conservation, physicochemical variation, residue mobility, and thermodynamic stability) indicates that this missense variant is expected to disrupt PLCB1 protein function with a positive predictive value of 80%. In summary, the available evidence is currently insufficient to determine the role of this variant in disease. Therefore, it has been classified as a Variant of Uncertain Significance.